The following is an entry in ClinVar:

NM_052947.4(ALPK2):c.4460C>T (p.Ala1487Val)

Genes: ALPK2 (alpha kinase 2; minus strand), LOC126862764 (BRD4-independent group 4 enhancer GRCh37_chr18:56202574-56203773; plus strand). Cytogenetic location: 18q21.31.
Variant type: single nucleotide variant.
Coding change: c.4460C>T on transcript NM_052947.4 (MANE Select); coding-DNA position 4460, C replaced by T.
Protein change: p.Ala1487Val; replaces alanine 1487 with valine.
Molecular consequence: missense variant.
Genome position (GRCh38, 1-based): chr18:58,535,727, G>A on the plus strand (C>T on the coding strand, the complement: ALPK2 is on the minus strand). VCF-style: chr18-58535727-G-A. GRCh37 (hg19) VCF-style: chr18-56202959-G-A.
Other names: short protein forms A1487V.
Identifiers: ClinVar variation 3530266 (VCV003530266.1).

ClinVar aggregate classification (germline): Uncertain significance (1 of 4 stars; one submission).

gnomAD v4.1: 1 of 1,614,164 alleles (0.000062%); highest among the groups gnomAD compares: African/African-American, 0.0013%; no homozygotes.

Submission:

Ambry Genetics
Classification: Uncertain significance. Last evaluated: 2024-09-02. Review status: criteria provided, single submitter. Criteria: Ambry Variant Classification Scheme 2023. Collection method: clinical testing. Allele origin: germline.
Comment: The p.A1487V variant (also known as c.4460C>T), located in coding exon 4 of the ALPK2 gene, results from a C to T substitution at nucleotide position 4460. The alanine at codon 1487 is replaced by valine, an amino acid with similar properties. This amino acid position is conserved. In addition, this alteration is predicted to be tolerated by in silico analysis. Based on the available evidence, the clinical significance of this variant remains unclear.